The following is an entry in ClinVar:

NM_007194.4(CHEK2):c.432T>G (p.Phe144Leu)

Gene: CHEK2 (checkpoint kinase 2; minus strand). Cytogenetic location: 22q12.1.
Variant type: single nucleotide variant.
Coding change: c.432T>G on transcript NM_007194.4 (MANE Select); coding-DNA position 432, T replaced by G.
Protein change: p.Phe144Leu; replaces phenylalanine 144 with leucine.
Molecular consequence: missense variant.
Genome position (GRCh38, 1-based): chr22:28,725,255, A>C on the plus strand (T>G on the coding strand, the complement: CHEK2 is on the minus strand). VCF-style: chr22-28725255-A-C. GRCh37 (hg19) VCF-style: chr22-29121243-A-C.
Other names: c.561T>G, p.Phe187Leu (NM_001005735.3); c.-346T>G (NM_001257387.3); c.432T>G, p.Phe144Leu (NM_001349956.3, NM_145862.3); short protein forms F144L, F187L.
Identifiers: ClinVar variation 230079 (VCV000230079.9), dbSNP rs876658374, ClinGen allele CA10581096.

ClinVar aggregate classification (germline): Uncertain significance. Review status: criteria provided, multiple submitters, no conflicts (2 of 4 stars). 2 submissions from 2 submitters: Uncertain significance (2). Last evaluated 2025-02-27.

Conditions:
Hereditary cancer-predisposing syndrome. Also called: Hereditary neoplastic syndrome; Hereditary Cancer Syndrome; Neoplastic Syndromes, Hereditary; Tumor predisposition. Identifiers: Orphanet 140162, MedGen C0027672, MeSH D009386, MONDO:0015356.
Familial cancer of breast. Also called: Hereditary breast cancer; BREAST CANCER, FAMILIAL; hereditary breast carcinoma. Identifiers: Orphanet 227535, MedGen C0346153, MONDO:0016419, OMIM 114480. Disease mechanism: loss of function.

Submissions (2):

Labcorp Genetics (formerly Invitae), Labcorp
Classification: Uncertain significance for Familial cancer of breast. Last evaluated: 2025-02-27. Review status: criteria provided, single submitter. Criteria: Invitae Variant Classification Sherloc (09022015). Collection method: clinical testing. Allele origin: germline.
Comment: This sequence change replaces phenylalanine, which is neutral and non-polar, with leucine, which is neutral and non-polar, at codon 144 of the CHEK2 protein (p.Phe144Leu). This variant is not present in population databases (gnomAD no frequency). This missense change has been observed in individual(s) with breast cancer (PMID: 26976419). ClinVar contains an entry for this variant (Variation ID: 230079). An algorithm developed to predict the effect of missense changes on protein structure and function (PolyPhen-2) suggests that this variant is likely to be disruptive. In summary, the available evidence is currently insufficient to determine the role of this variant in disease. Therefore, it has been classified as a Variant of Uncertain Significance.

Ambry Genetics
Classification: Uncertain significance for Hereditary cancer-predisposing syndrome. Last evaluated: 2024-10-29. Review status: criteria provided, single submitter. Criteria: Ambry Variant Classification Scheme 2023. Collection method: clinical testing. Allele origin: germline.
Comment: The p.F144L variant (also known as c.432T>G), located in coding exon 2 of the CHEK2 gene, results from a T to G substitution at nucleotide position 432. The phenylalanine at codon 144 is replaced by leucine, an amino acid with highly similar properties. This alteration has been reported in a cohort of 488 patients with stages I to III breast cancer who were tested with a 25-gene panel test (Tung N et al. J Clin Oncol, 2016 May;34:1460-8). This amino acid position is highly conserved in available vertebrate species. In addition, the in silico prediction for this alteration is inconclusive. Based on the available evidence, the clinical significance of this variant remains unclear.

Literature cited by the submitters: PubMed 26976419 (cited by Labcorp Genetics (formerly Invitae), Labcorp and Ambry Genetics).